The following is an entry in ClinVar:

ClinVar aggregate classification (germline): Uncertain significance (1 of 4 stars; one submission).

Conditions:
Malignant hyperthermia, susceptibility to, 5 (MHS5). Also called: CACNA1S-Related Malignant Hyperthermia Susceptibility. Identifiers: Orphanet 423, MedGen C1866077, MONDO:0011163, OMIM 601887.
Hypokalemic periodic paralysis, type 1. Also called: Hypokalemic Periodic Paralysis Type 1 (AD); HypoPP. Identifiers: Orphanet 681, MedGen C3714580, MONDO:0042979, OMIM 170400.

Submission:

Labcorp Genetics (formerly Invitae), Labcorp
Classification: Uncertain significance for Hypokalemic periodic paralysis, type 1; Malignant hyperthermia, susceptibility to, 5. Last evaluated: 2024-03-30. Review status: criteria provided, single submitter. Criteria: Invitae Variant Classification Sherloc (09022015). Collection method: clinical testing. Allele origin: germline.
Comment: This sequence change replaces serine, which is neutral and polar, with asparagine, which is neutral and polar, at codon 153 of the CACNA1S protein (p.Ser153Asn). This variant is not present in population databases (gnomAD no frequency). This variant has not been reported in the literature in individuals affected with CACNA1S-related conditions. Advanced modeling of protein sequence and biophysical properties (such as structural, functional, and spatial information, amino acid conservation, physicochemical variation, residue mobility, and thermodynamic stability) performed at Invitae indicates that this missense variant is not expected to disrupt CACNA1S protein function with a negative predictive value of 95%. In summary, the available evidence is currently insufficient to determine the role of this variant in disease. Therefore, it has been classified as a Variant of Uncertain Significance.

NM_000069.3(CACNA1S):c.458G>A (p.Ser153Asn)

Gene: CACNA1S (calcium voltage-gated channel subunit alpha1 S; minus strand). Cytogenetic location: 1q32.1.
Variant type: single nucleotide variant.
Coding change: c.458G>A on transcript NM_000069.3 (MANE Select); coding-DNA position 458, G replaced by A.
Protein change: p.Ser153Asn; replaces serine 153 with asparagine.
Molecular consequence: missense variant.
Genome position (GRCh38, 1-based): chr1:201,092,055, C>T on the plus strand (G>A on the coding strand, the complement: CACNA1S is on the minus strand). VCF-style: chr1-201092055-C-T. GRCh37 (hg19) VCF-style: chr1-201061183-C-T.
Other names: short protein forms S153N.
Identifiers: ClinVar variation 3750254 (VCV003750254.2).